The following is an entry in ClinVar:

NM_006514.4(SCN10A):c.2281-247G>C

Gene: SCN10A (sodium voltage-gated channel alpha subunit 10; minus strand). Cytogenetic location: 3p22.2.
Variant type: single nucleotide variant.
Coding change: c.2281-247G>C on transcript NM_006514.4 (MANE Select); 247 bases into the intron before coding-DNA position 2281, G replaced by C.
Molecular consequence: intron variant.
Genome position (GRCh38, 1-based): chr3:38,729,148, C>G on the plus strand (G>C on the coding strand, the complement: SCN10A is on the minus strand). VCF-style: chr3-38729148-C-G. GRCh37 (hg19) VCF-style: chr3-38770639-C-G.
Other names: c.1987-247G>C (NM_001293307.2); c.2281-247G>C (NM_001293306.2).
Identifiers: ClinVar variation 669327 (VCV000669327.2), dbSNP rs7433306, ClinGen allele CA11403342.

ClinVar aggregate classification (germline): Benign. Review status: criteria provided, multiple submitters, no conflicts (2 of 4 stars). 2 submissions from 2 submitters: Benign (2). Last evaluated 2018-06-19.

Allele frequency attached by ClinVar (database versions not stated): gnomAD 0.69796 and 0.69924; TOPMed 0.71508; 1000 Genomes Project 0.75799; 1000 Genomes Project 30x 0.76234.
gnomAD v4.1: 105,861 of 152,014 alleles (70%); highest among the groups gnomAD compares: African/African-American, 91%; 38,354 homozygotes.

Submissions (2):

GeneDx
Classification: Benign. Last evaluated: 2018-06-19. Review status: criteria provided, single submitter. Criteria: GeneDx Variant Classification (06012015). Collection method: clinical testing. Allele origin: germline. Affected: yes.
Comment: This variant is considered likely benign or benign based on one or more of the following criteria: it is a conservative change, it occurs at a poorly conserved position in the protein, it is predicted to be benign by multiple in silico algorithms, and/or has population frequency not consistent with disease.

Breakthrough Genomics
Classification: Benign. Review status: criteria provided, single submitter. Criteria: ACMG Guidelines, 2015. Collection method: not provided. Allele origin: germline. Inheritance: Autosomal dominant inheritance. Affected: yes.